The following is an entry in ClinVar:

ClinVar aggregate classification (germline): Uncertain significance (1 of 4 stars; one submission).

Conditions:
Amelocerebrohypohidrotic syndrome (KTZS). Also called: EPILEPSY AND YELLOW TEETH; EPILEPSY, DEMENTIA, AND AMELOGENESIS IMPERFECTA; KOHLSCHUTTER SYNDROME; Kohlschutter's syndrome. Identifiers: Orphanet 1946, MedGen C0406740, MONDO:0009185, OMIM 226750.

Allele frequency attached by ClinVar (database versions not stated): ExAC 0.00001; gnomAD 0.00001; TOPMed 0.00001; ESP Exome Variant Server 0.00008.

Submission:

Labcorp Genetics (formerly Invitae), Labcorp
Classification: Uncertain significance for Amelocerebrohypohidrotic syndrome. Last evaluated: 2021-08-26. Review status: criteria provided, single submitter. Criteria: Invitae Variant Classification Sherloc (09022015). Collection method: clinical testing. Allele origin: germline.
Comment: This sequence change replaces glutamine with histidine at codon 205 of the ROGDI protein (p.Gln205His). The glutamine residue is highly conserved and there is a small physicochemical difference between glutamine and histidine. This variant is present in population databases (rs148557909, ExAC 0.01%). This variant has not been reported in the literature in individuals affected with ROGDI-related conditions. Algorithms developed to predict the effect of missense changes on protein structure and function are either unavailable or do not agree on the potential impact of this missense change (SIFT: "Deleterious"; PolyPhen-2: "Benign"; Align-GVGD: "Class C15"). In summary, the available evidence is currently insufficient to determine the role of this variant in disease. Therefore, it has been classified as a Variant of Uncertain Significance.

NM_024589.3(ROGDI):c.615G>T (p.Gln205His)

Gene: ROGDI (rogdi atypical leucine zipper; minus strand). Cytogenetic location: 16p13.3.
Variant type: single nucleotide variant.
Coding change: c.615G>T on transcript NM_024589.3 (MANE Select); coding-DNA position 615, G replaced by T.
Protein change: p.Gln205His; replaces glutamine 205 with histidine.
Molecular consequence: missense variant. On other transcripts: non-coding transcript variant (1).
Genome position (GRCh38, 1-based): chr16:4,798,101, C>A on the plus strand (G>T on the coding strand, the complement: ROGDI is on the minus strand). VCF-style: chr16-4798101-C-A. GRCh37 (hg19) VCF-style: chr16-4848102-C-A.
Other names: short protein forms Q205H.
Identifiers: ClinVar variation 530792 (VCV000530792.8), dbSNP rs148557909, ClinGen allele CA7882614.